The following is an entry in ClinVar:

ClinVar aggregate classification (germline): Uncertain significance (1 of 4 stars; one submission).

Allele frequency attached by ClinVar (database versions not stated): gnomAD exomes below 0.00001.
gnomAD v4.1: 1 of 1,613,990 alleles (0.000062%); highest among the groups gnomAD compares: Non-Finnish European, 0.000085%; no homozygotes.

Submission:

Labcorp Genetics (formerly Invitae), Labcorp
Classification: Uncertain significance. Last evaluated: 2022-02-11. Review status: criteria provided, single submitter. Criteria: Invitae Variant Classification Sherloc (09022015). Collection method: clinical testing. Allele origin: germline.
Comment: This variant is not present in population databases (gnomAD no frequency). This sequence change replaces tyrosine, which is neutral and polar, with cysteine, which is neutral and slightly polar, at codon 183 of the SC5D protein (p.Tyr183Cys). This variant has not been reported in the literature in individuals affected with SC5D-related conditions. Algorithms developed to predict the effect of missense changes on protein structure and function (SIFT, PolyPhen-2, Align-GVGD) all suggest that this variant is likely to be disruptive. In summary, the available evidence is currently insufficient to determine the role of this variant in disease. Therefore, it has been classified as a Variant of Uncertain Significance.

NM_006918.5(SC5D):c.548A>G (p.Tyr183Cys)

Gene: SC5D (sterol-C5-desaturase; plus strand). Cytogenetic location: 11q24.1.
Variant type: single nucleotide variant.
Coding change: c.548A>G on transcript NM_006918.5 (MANE Select); coding-DNA position 548, A replaced by G.
Protein change: p.Tyr183Cys; replaces tyrosine 183 with cysteine.
Molecular consequence: missense variant.
Genome position (GRCh38, 1-based): chr11:121,307,160, A>G. VCF-style: chr11-121307160-A-G. GRCh37 (hg19) VCF-style: chr11-121177869-A-G.
Other names: c.548A>G, p.Tyr183Cys (NM_001024956.3); short protein forms Y183C.
Identifiers: ClinVar variation 1433868 (VCV001433868.6), dbSNP rs2134270817, ClinGen allele CA383029667.